The following is an entry in ClinVar:

NM_198334.3(GANAB):c.2428G>A (p.Val810Met)

Gene: GANAB (glucosidase II alpha subunit; minus strand). Cytogenetic location: 11q12.3.
Variant type: single nucleotide variant.
Coding change: c.2428G>A on transcript NM_198334.3 (MANE Select); coding-DNA position 2428, G replaced by A.
Protein change: p.Val810Met; replaces valine 810 with methionine.
Molecular consequence: missense variant.
Genome position (GRCh38, 1-based): chr11:62,626,654, C>T on the plus strand (G>A on the coding strand, the complement: GANAB is on the minus strand). VCF-style: chr11-62626654-C-T. GRCh37 (hg19) VCF-style: chr11-62394126-C-T.
Other names: c.2152G>A, p.Val718Met (NM_001278192.2); c.2086G>A, p.Val696Met (NM_001278193.2); c.2137G>A, p.Val713Met (NM_001278194.2, NM_001329222.2, NM_001329223.2); c.1705G>A, p.Val569Met (NM_001329224.2, NM_001329225.2); c.2494G>A, p.Val832Met (NM_198335.4); short protein forms V569M, V696M, V713M, V718M, V810M, V832M.
Identifiers: ClinVar variation 3354166 (VCV003354166.3).

ClinVar aggregate classification (germline): Uncertain significance. Review status: criteria provided, single submitter (1 of 4 stars). 2 submissions from 2 submitters: Uncertain significance (1). 1 of the submissions does not count toward it. Last evaluated 2024-10-29.

Conditions:
GANAB-related disorder. Also called: GANAB-related condition.

gnomAD v4.1: 8 of 1,609,394 alleles (0.0005%); highest among the groups gnomAD compares: Admixed American, 0.0017%; no homozygotes.

Submissions (2):

Dasa
Classification: Uncertain significance. Last evaluated: 2024-10-29. Review status: criteria provided, single submitter. Criteria: DASA Assertion Criteria. Collection method: clinical testing. Allele origin: germline.
Comment: NM_198334.3(GANAB):c.2428G>A (p.Val810Met) is a missense variant that results in the substitution of valine with methionine. This variant is rare in population databases. The currently available literature and clinical evidence are not sufficient to establish a definitive association between this variant and the reported condition. Therefore, this variant is classified as a variant of uncertain significance.

PreventionGenetics, part of Exact Sciences
Classification: Uncertain significance for GANAB-related condition. Last evaluated: 2024-08-08. Review status: no assertion criteria provided. Collection method: clinical testing. Allele origin: germline. Not counted in ClinVar's aggregate classification.
Comment: The GANAB c.2494G>A variant is predicted to result in the amino acid substitution p.Val832Met. To our knowledge, this variant has not been reported in the literature. This variant is reported in 0.0045% of alleles in individuals of European (Non-Finnish) descent in gnomAD. At this time, the clinical significance of this variant is uncertain due to the absence of conclusive functional and genetic evidence.